The following is an entry in ClinVar:

ClinVar aggregate classification (germline): Uncertain significance. Review status: criteria provided, multiple submitters, no conflicts (2 of 4 stars). 2 submissions from 2 submitters: Uncertain significance (2). Last evaluated 2022-10-04.

Allele frequency attached by ClinVar (database versions not stated): gnomAD 0.00002 and 0.00003; gnomAD exomes 0.00002; ExAC 0.00003; TOPMed 0.00003.

Submissions (2):

Labcorp Genetics (formerly Invitae), Labcorp
Classification: Uncertain significance. Last evaluated: 2022-10-04. Review status: criteria provided, single submitter. Criteria: Invitae Variant Classification Sherloc (09022015). Collection method: clinical testing. Allele origin: germline.
Comment: In summary, the available evidence is currently insufficient to determine the role of this variant in disease. Therefore, it has been classified as a Variant of Uncertain Significance. Algorithms developed to predict the effect of missense changes on protein structure and function are either unavailable or do not agree on the potential impact of this missense change (SIFT: "Deleterious"; PolyPhen-2: "Probably Damaging"; Align-GVGD: "Class C0"). ClinVar contains an entry for this variant (Variation ID: 1040801). This variant has not been reported in the literature in individuals affected with RBP3-related conditions. This variant is present in population databases (rs782505300, gnomAD 0.01%). This sequence change replaces threonine, which is neutral and polar, with methionine, which is neutral and non-polar, at codon 471 of the RBP3 protein (p.Thr471Met).

Blueprint Genetics
Classification: Uncertain significance. Last evaluated: 2019-03-01. Review status: criteria provided, single submitter. Criteria: ACMG Guidelines, 2015. Collection method: clinical testing. Allele origin: germline.

NM_002900.3(RBP3):c.1412C>T (p.Thr471Met)

Gene: RBP3 (retinol binding protein 3; plus strand). Cytogenetic location: 10q11.22.
Variant type: single nucleotide variant.
Coding change: c.1412C>T on transcript NM_002900.3 (MANE Select); coding-DNA position 1412, C replaced by T.
Protein change: p.Thr471Met; replaces threonine 471 with methionine.
Molecular consequence: missense variant.
Genome position (GRCh38, 1-based): chr10:47,349,896, C>T. VCF-style: chr10-47349896-C-T. GRCh37 (hg19) VCF-style: chr10-48389466-G-A.
Other names: short protein forms T471M.
Identifiers: ClinVar variation 1040801 (VCV001040801.7), dbSNP rs782505300, ClinGen allele CA5487527.